The following is an entry in ClinVar:

NM_001458.5(FLNC):c.6170T>C (p.Phe2057Ser)

Genes: FLNC-AS1 (FLNC antisense RNA 1; minus strand), FLNC (filamin C; plus strand). Cytogenetic location: 7q32.1.
Variant type: single nucleotide variant.
Coding change: c.6170T>C on transcript NM_001458.5 (MANE Select); coding-DNA position 6170, T replaced by C.
Protein change: p.Phe2057Ser; replaces phenylalanine 2057 with serine.
Molecular consequence: missense variant.
Genome position (GRCh38, 1-based): chr7:128,852,993, T>C. VCF-style: chr7-128852993-T-C. GRCh37 (hg19) VCF-style: chr7-128493047-T-C.
Other names: c.6071T>C, p.Phe2024Ser (NM_001127487.2); short protein forms F2057S, F2024S.
Identifiers: ClinVar variation 472127 (VCV000472127.9), dbSNP rs1554400996, ClinGen allele CA369211516.

ClinVar aggregate classification (germline): Uncertain significance (1 of 4 stars; one submission).

Conditions:
Distal myopathy with posterior leg and anterior hand involvement. Also called: WILLIAMS DISTAL MYOPATHY. Identifiers: Orphanet 63273, MedGen C3279722, MONDO:0013550, OMIM 614065.
Myofibrillar myopathy 5. Also called: Filaminopathy (type); FILAMINOPATHY, AUTOSOMAL DOMINANT. Identifiers: Orphanet 171445, MedGen C1836050, MONDO:0012289, OMIM 609524.
Hypertrophic cardiomyopathy 26. Also called: Cardiomyopathy, familial hypertrophic, 26. Identifiers: Orphanet 75249, MedGen C4310749, MONDO:0014883, OMIM 617047.

Allele frequency attached by ClinVar (database versions not stated): gnomAD exomes below 0.00001.
gnomAD v4.1: 1 of 1,613,310 alleles (0.000062%); highest among the groups gnomAD compares: Admixed American, 0.0017%; no homozygotes.

Submission:

Labcorp Genetics (formerly Invitae), Labcorp
Classification: Uncertain significance for Distal myopathy with posterior leg and anterior hand involvement; Myofibrillar myopathy 5; Hypertrophic cardiomyopathy 26. Last evaluated: 2022-09-10. Review status: criteria provided, single submitter. Criteria: Invitae Variant Classification Sherloc (09022015). Collection method: clinical testing. Allele origin: germline.
Comment: ClinVar contains an entry for this variant (Variation ID: 472127). In summary, the available evidence is currently insufficient to determine the role of this variant in disease. Therefore, it has been classified as a Variant of Uncertain Significance. Algorithms developed to predict the effect of missense changes on protein structure and function (SIFT, PolyPhen-2, Align-GVGD) all suggest that this variant is likely to be tolerated. This variant has not been reported in the literature in individuals affected with FLNC-related conditions. This variant is not present in population databases (gnomAD no frequency). This sequence change replaces phenylalanine, which is neutral and non-polar, with serine, which is neutral and polar, at codon 2057 of the FLNC protein (p.Phe2057Ser).